The following is an entry in ClinVar:

ClinVar aggregate classification (germline): Uncertain significance (1 of 4 stars; one submission).

gnomAD v4.1: 3 of 1,613,728 alleles (0.00019%); highest among the groups gnomAD compares: Non-Finnish European, 0.00025%; no homozygotes.

Submission:

Ambry Genetics
Classification: Uncertain significance. Last evaluated: 2025-04-07. Review status: criteria provided, single submitter. Criteria: Ambry Variant Classification Scheme 2023. Collection method: clinical testing. Allele origin: germline.
Comment: The p.H7D variant (also known as c.19C>G), located in coding exon 1 of the CDK12 gene, results from a C to G substitution at nucleotide position 19. The histidine at codon 7 is replaced by aspartic acid, an amino acid with similar properties. This amino acid position is conserved. In addition, the in silico prediction for this alteration is inconclusive. Based on the available evidence, the clinical significance of this variant remains unclear.

NM_016507.4(CDK12):c.19C>G (p.His7Asp)

Genes: CDK12 (cyclin dependent kinase 12; plus strand), LOC126862553 (CDK7 strongly-dependent group 2 enhancer GRCh37_chr17:37618166-37619365; plus strand). Cytogenetic location: 17q12.
Variant type: single nucleotide variant.
Coding change: c.19C>G on transcript NM_016507.4 (MANE Select); coding-DNA position 19, C replaced by G.
Protein change: p.His7Asp; replaces histidine 7 with aspartic acid.
Molecular consequence: missense variant.
Genome position (GRCh38, 1-based): chr17:39,462,090, C>G. VCF-style: chr17-39462090-C-G. GRCh37 (hg19) VCF-style: chr17-37618343-C-G.
Other names: c.19C>G, p.His7Asp (NM_015083.4); short protein forms H7D.
Identifiers: ClinVar variation 3999333 (VCV003999333.1).